The following is an entry in ClinVar:

ClinVar aggregate classification (germline): Uncertain significance. Review status: criteria provided, multiple submitters, no conflicts (2 of 4 stars). 2 submissions from 2 submitters: Uncertain significance (2). Last evaluated 2025-09-25.

Conditions:
Inborn genetic diseases. Identifiers: MedGen C0950123, MeSH D030342.

Allele frequency attached by ClinVar (database versions not stated): ESP Exome Variant Server 0.00015; 1000 Genomes Project 30x 0.00031; 1000 Genomes Project 0.00040.
gnomAD v4.1: 35 of 1,612,698 alleles (0.0022%); highest among the groups gnomAD compares: African/African-American, 0.043%; no homozygotes.

Submissions (2):

Ambry Genetics
Classification: Uncertain significance for Inborn genetic diseases. Last evaluated: 2025-09-25. Review status: criteria provided, single submitter. Criteria: Ambry Variant Classification Scheme 2023. Collection method: clinical testing. Allele origin: germline.

Labcorp Genetics (formerly Invitae), Labcorp
Classification: Uncertain significance. Last evaluated: 2025-08-06. Review status: criteria provided, single submitter. Criteria: Invitae Variant Classification Sherloc (09022015). Collection method: clinical testing. Allele origin: germline.
Comment: This sequence change replaces alanine, which is neutral and non-polar, with serine, which is neutral and polar, at codon 439 of the COL10A1 protein (p.Ala439Ser). This variant is present in population databases (rs143685448, gnomAD 0.03%). This variant has not been reported in the literature in individuals affected with COL10A1-related conditions. ClinVar contains an entry for this variant (Variation ID: 1469096). Invitae Evidence Modeling of protein sequence and biophysical properties (such as structural, functional, and spatial information, amino acid conservation, physicochemical variation, residue mobility, and thermodynamic stability) has been performed for this missense variant. However, the output from this modeling did not meet the statistical confidence thresholds required to predict the impact of this variant on COL10A1 protein function. In summary, the available evidence is currently insufficient to determine the role of this variant in disease. Therefore, it has been classified as a Variant of Uncertain Significance.

NM_000493.4(COL10A1):c.1315G>T (p.Ala439Ser)

Genes: COL10A1 (collagen type X alpha 1 chain; minus strand), NT5DC1 (5'-nucleotidase domain containing 1; plus strand). Cytogenetic location: 6q22.1.
Variant type: single nucleotide variant.
Coding change: c.1315G>T on transcript NM_000493.4 (MANE Select); coding-DNA position 1315, G replaced by T.
Protein change: p.Ala439Ser; replaces alanine 439 with serine.
Molecular consequence: missense variant. On other transcripts: intron variant (1).
Genome position (GRCh38, 1-based): chr6:116,120,801, C>A on the plus strand (G>T on the coding strand, the complement: COL10A1 is on the minus strand). VCF-style: chr6-116120801-C-A. GRCh37 (hg19) VCF-style: chr6-116441964-C-A.
Other names: c.1315G>T, p.Ala439Ser (NM_001424106.1, NM_001424107.1); c.529+2856C>A (NM_152729.3); c.1315G>T (NM_000493.3); short protein forms A439S.
Identifiers: ClinVar variation 1469096 (VCV001469096.9), dbSNP rs143685448, ClinGen allele CA3968203.
Genomic context (GRCh38, chr6:116,120,801, plus strand): 5'-TGCCTGGTGGCCCAATAGGGCCTCTAGTACCTGGTATTCCAGGGGCACCTCTTGGGCCAG[C>A]CTCTCCATTGTGTCCGGGCATTCCCTTTGCTCCTGCTGGGCCCACAGGGCCTGGGAGACC-3'
Protein context (NP_000484.2, residues 429-449): AKGMPGHNGE[Ala439Ser]GPRGAPGIPG